The following is an entry in ClinVar:

NM_181486.4(TBX5):c.401G>A (p.Arg134His)

Gene: TBX5 (T-box transcription factor 5; minus strand). Cytogenetic location: 12q24.21.
Variant type: single nucleotide variant.
Coding change: c.401G>A on transcript NM_181486.4 (MANE Select); coding-DNA position 401, G replaced by A.
Protein change: p.Arg134His; replaces arginine 134 with histidine.
Molecular consequence: missense variant.
Genome position (GRCh38, 1-based): chr12:114,398,682, C>T on the plus strand (G>A on the coding strand, the complement: TBX5 is on the minus strand). VCF-style: chr12-114398682-C-T. GRCh37 (hg19) VCF-style: chr12-114836487-C-T.
Other names: c.401G>A, p.Arg134His (NM_000192.3); c.251G>A, p.Arg84His (NM_080717.4); short protein forms R134H, R84H.
Identifiers: ClinVar variation 2631755 (VCV002631755.1), dbSNP rs2540471613, ClinGen allele CA386862171.

ClinVar aggregate classification (germline): Uncertain significance (1 of 4 stars; one submission).

Conditions:
TBX5-related disorder. Also called: TBX5-related condition.

Submission:

PreventionGenetics, part of Exact Sciences
Classification: Uncertain significance for TBX5-related condition. Last evaluated: 2023-08-10. Review status: criteria provided, single submitter. Criteria: ACMG Guidelines, 2015. Collection method: clinical testing. Allele origin: germline.
Comment: The TBX5 c.401G>A variant is predicted to result in the amino acid substitution p.Arg134His. To our knowledge, this variant has not been reported in the literature or in a large population database, indicating this variant is rare. At this time, the clinical significance of this variant is uncertain due to the absence of conclusive functional and genetic evidence.